The following is an entry in ClinVar:

NM_176787.5(PIGN):c.563A>C (p.His188Pro)

Gene: PIGN (phosphatidylinositol glycan anchor biosynthesis class N; minus strand). Cytogenetic location: 18q21.33.
Variant type: single nucleotide variant.
Coding change: c.563A>C on transcript NM_176787.5 (MANE Select); coding-DNA position 563, A replaced by C.
Protein change: p.His188Pro; replaces histidine 188 with proline.
Molecular consequence: missense variant.
Genome position (GRCh38, 1-based): chr18:62,148,325, T>G on the plus strand (A>C on the coding strand, the complement: PIGN is on the minus strand). VCF-style: chr18-62148325-T-G. GRCh37 (hg19) VCF-style: chr18-59815558-T-G.
Other names: c.563A>C, p.His188Pro (NM_012327.6); short protein forms H188P.
Identifiers: ClinVar variation 1964887 (VCV001964887.2), dbSNP rs1177290407, ClinGen allele CA402602308.

ClinVar aggregate classification (germline): Uncertain significance (1 of 4 stars; one submission).

Conditions:
Multiple congenital anomalies-hypotonia-seizures syndrome 1 (MCAHS1). Also called: PIGN-CDG; Congenital disorder of glycosylation due to PIGN deficiency; GLYCOSYLPHOSPHATIDYLINOSITOL BIOSYNTHESIS DEFECT 3. Identifiers: Orphanet 280633, MedGen C3279775, MONDO:0013563, OMIM 614080.

Allele frequency attached by ClinVar (database versions not stated): gnomAD 0.00001.

Submission:

Labcorp Genetics (formerly Invitae), Labcorp
Classification: Uncertain significance for Multiple congenital anomalies-hypotonia-seizures syndrome 1. Last evaluated: 2022-03-13. Review status: criteria provided, single submitter. Criteria: Invitae Variant Classification Sherloc (09022015). Collection method: clinical testing. Allele origin: germline.
Comment: This sequence change replaces histidine, which is basic and polar, with proline, which is neutral and non-polar, at codon 188 of the PIGN protein (p.His188Pro). This variant is not present in population databases (gnomAD no frequency). This variant has not been reported in the literature in individuals affected with PIGN-related conditions. Algorithms developed to predict the effect of missense changes on protein structure and function are either unavailable or do not agree on the potential impact of this missense change (SIFT: "Not Available"; PolyPhen-2: "Benign"; Align-GVGD: "Not Available"). In summary, the available evidence is currently insufficient to determine the role of this variant in disease. Therefore, it has been classified as a Variant of Uncertain Significance.